The following is an entry in ClinVar:

ClinVar aggregate classification (germline): Uncertain significance (1 of 4 stars; one submission).

Allele frequency attached by ClinVar (database versions not stated): TOPMed below 0.00001 and 0.00001.
gnomAD v4.1: 2 of 1,613,662 alleles (0.00012%); highest among the groups gnomAD compares: Non-Finnish European, 0.00017%; no homozygotes.

Submission:

GeneDx
Classification: Uncertain significance. Last evaluated: 2017-01-06. Review status: criteria provided, single submitter. Criteria: GeneDx Variant Classification (06012015). Collection method: clinical testing. Allele origin: germline. Affected: yes.
Comment: A variant of uncertain significance has been identified in the MBD5 gene. The M473I variant has not been published as a pathogenic variant, nor has it been reported as a benign variant to our knowledge. The M473I variant is not observed in large population cohorts (Lek et al., 2016; 1000 Genomes Consortium et al., 2015; Exome Variant Server). This substitution occurs at a position that is conserved in mammals. However, the M473I variant is a conservative amino acid substitution, which is not likely to impact secondary protein structure as these residues share similar properties and in silico analysis is inconsistent in its predictions as to whether or not the variant is damaging to the protein structure/function Additionally, to our knowledge, only loss-of-function pathogenic variants in MBD5 have been published in association with epilepsy. Therefore, based on the currently available information, it is unclear whether this variant is a pathogenic variant or a rare benign variant.

NM_001378120.1(MBD5):c.1419G>A (p.Met473Ile)

Gene: MBD5 (methyl-CpG binding domain protein 5; plus strand). Cytogenetic location: 2q23.1.
Variant type: single nucleotide variant.
Coding change: c.1419G>A on transcript NM_001378120.1 (MANE Select); coding-DNA position 1419, G replaced by A.
Protein change: p.Met473Ile; replaces methionine 473 with isoleucine.
Molecular consequence: missense variant.
Genome position (GRCh38, 1-based): chr2:148,469,362, G>A. VCF-style: chr2-148469362-G-A. GRCh37 (hg19) VCF-style: chr2-149226931-G-A.
Other names: c.1419G>A, p.Met473Ile (NM_018328.5); short protein forms M473I.
Identifiers: ClinVar variation 392566 (VCV000392566.2), dbSNP rs1057524543, ClinGen allele CA16603751.